The following is an entry in ClinVar:

ClinVar aggregate classification (germline): Uncertain significance (1 of 4 stars; one submission).

Allele frequency attached by ClinVar (database versions not stated): ExAC 0.00001; gnomAD exomes 0.00001; TOPMed 0.00004; gnomAD 0.00005.
gnomAD v4.1: 11 of 1,613,660 alleles (0.00068%); highest among the groups gnomAD compares: African/African-American, 0.008%; no homozygotes.

Submission:

Labcorp Genetics (formerly Invitae), Labcorp
Classification: Uncertain significance. Last evaluated: 2025-02-13. Review status: criteria provided, single submitter. Criteria: Invitae Variant Classification Sherloc (09022015). Collection method: clinical testing. Allele origin: germline.
Comment: This sequence change falls in intron 32 of the DUOX2 gene. It does not directly change the encoded amino acid sequence of the DUOX2 protein. This variant is present in population databases (rs762155286, gnomAD 0.02%). This variant has not been reported in the literature in individuals affected with DUOX2-related conditions. ClinVar contains an entry for this variant (Variation ID: 1923640). Algorithms developed to predict the effect of sequence changes on RNA splicing suggest that this variant may disrupt the consensus splice site. In summary, the available evidence is currently insufficient to determine the role of this variant in disease. Therefore, it has been classified as a Variant of Uncertain Significance.

NM_001363711.2(DUOX2):c.4395+10G>T

Gene: DUOX2 (dual oxidase 2; minus strand). Cytogenetic location: 15q21.1.
Variant type: single nucleotide variant.
Coding change: c.4395+10G>T on transcript NM_001363711.2 (MANE Select); 10 bases into the intron after coding-DNA position 4395, G replaced by T.
Molecular consequence: intron variant.
Genome position (GRCh38, 1-based): chr15:45,094,926, C>A on the plus strand (G>T on the coding strand, the complement: DUOX2 is on the minus strand). VCF-style: chr15-45094926-C-A. GRCh37 (hg19) VCF-style: chr15-45387124-C-A.
Other names: c.4395+10G>T (NM_014080.5).
Identifiers: ClinVar variation 1923640 (VCV001923640.3), dbSNP rs762155286, ClinGen allele CA7537551.
Genomic context (GRCh38, chr15:45,094,926, plus strand): 5'-TGGCCATCCTGCCTTACGCTGCCAATCCATCTGCCCGCCAAGTTGCCCTGCCTGGCGGGC[C>A]CTGACATACTAGCATGGTGGTCCTGAGGTCGAACTTCTCAGCCAGCTGGGTGACATAAAT-3'